The following is an entry in ClinVar:

ClinVar aggregate classification (germline): Conflicting classifications of pathogenicity. Review status: criteria provided, conflicting classifications (1 of 4 stars). 4 submissions from 3 submitters: Uncertain significance (1); Likely benign (3). Last evaluated 2018-01-12.

Conditions:
Cardiovascular phenotype. Identifiers: MedGen CN230736.
Jervell and Lange-Nielsen syndrome 2 (JLNS2). Identifiers: Orphanet 768, Orphanet 90647, MedGen C2676723, MONDO:0012871, OMIM 612347.
Long QT syndrome 5 (LQT5). Identifiers: Orphanet 101016, Orphanet 768, MedGen C1867904, MONDO:0013372, OMIM 613695.

Allele frequency attached by ClinVar (database versions not stated): ESP Exome Variant Server 0.00008; gnomAD exomes 0.00015; ExAC 0.00016; 1000 Genomes Project 0.00020.

Submissions (5):

Illumina Laboratory Services, Illumina
Classification: Uncertain significance for Jervell and Lange-Nielsen syndrome 2. Last evaluated: 2018-01-12. Review status: criteria provided, single submitter. Criteria: ICSL Variant Classification Criteria 13 December 2019. Collection method: clinical testing. Allele origin: germline.

Illumina Laboratory Services, Illumina
Classification: Likely benign for Long QT syndrome 5. Last evaluated: 2018-01-12. Review status: criteria provided, single submitter. Criteria: ICSL Variant Classification Criteria 13 December 2019. Collection method: clinical testing. Allele origin: germline.
Comment: This variant was observed in the ICSL laboratory as part of a predisposition screen in an ostensibly healthy population. It had not been previously curated by ICSL or reported in the Human Gene Mutation Database (HGMD: prior to June 1st, 2018), and was therefore a candidate for classification through an automated scoring system. Utilizing variant allele frequency, disease prevalence and penetrance estimates, and inheritance mode, an automated score was calculated to assess if this variant is too frequent to cause the disease. Based on the score and internal cut-off values, a variant classified as likely benign is not then subjected to further curation. The score for this variant resulted in a classification of likely benign for this disease.

GeneDx
Classification: Likely benign. Last evaluated: 2017-10-17. Review status: criteria provided, single submitter. Criteria: GeneDx Variant Classification (06012015). Collection method: clinical testing. Allele origin: germline. Affected: yes.
Comment: This variant is considered likely benign or benign based on one or more of the following criteria: it is a conservative change, it occurs at a poorly conserved position in the protein, it is predicted to be benign by multiple in silico algorithms, and/or has population frequency not consistent with disease.

Ambry Genetics
Classification: Likely benign for Cardiovascular phenotype. Last evaluated: 2017-06-06. Review status: criteria provided, single submitter. Criteria: Ambry Variant Classification Scheme 2023. Collection method: clinical testing. Allele origin: germline.

Roden Lab, Vanderbilt University Medical Center
No classification provided (evidence only). Condition: Long QT syndrome 5. Review status: no classification provided. Collection method: in vitro. Allele origin: not applicable. Functional consequence: Effect on ion channel function. Not counted in ClinVar's aggregate classification.
ClinVar note: "not provided" was previously submitted as the classification for the variant. However, the classification appeared to be based only on an observation of functional data so it was converted to no classification on 2025-07-30.

NM_000219.6(KCNE1):c.111C>T (p.Ser37=)

Gene: KCNE1 (potassium voltage-gated channel subfamily E regulatory subunit 1; minus strand). Cytogenetic location: 21q22.12.
Variant type: single nucleotide variant.
Coding change: c.111C>T on transcript NM_000219.6 (MANE Select); coding-DNA position 111, C replaced by T.
Protein change: p.Ser37=; no amino-acid change (serine 37 retained).
Molecular consequence: synonymous variant.
Genome position (GRCh38, 1-based): chr21:34,449,524, G>A on the plus strand (C>T on the coding strand, the complement: KCNE1 is on the minus strand). VCF-style: chr21-34449524-G-A. GRCh37 (hg19) VCF-style: chr21-35821822-G-A.
Other names: c.111C>T, p.Ser37= (NM_001127668.4, NM_001127669.4, NM_001127670.4 and 4 more transcripts).
Identifiers: ClinVar variation 506395 (VCV000506395.11), dbSNP rs150458884, ClinGen allele CA320425470.